The following is an entry in ClinVar:

NM_001077653.2(TBX20):c.918G>C (p.Lys306Asn)

Gene: TBX20 (T-box transcription factor 20; minus strand). Cytogenetic location: 7p14.2.
Variant type: single nucleotide variant.
Coding change: c.918G>C on transcript NM_001077653.2 (MANE Select); coding-DNA position 918, G replaced by C.
Protein change: p.Lys306Asn; replaces lysine 306 with asparagine.
Molecular consequence: missense variant.
Genome position (GRCh38, 1-based): chr7:35,204,555, C>G on the plus strand (G>C on the coding strand, the complement: TBX20 is on the minus strand). VCF-style: chr7-35204555-C-G. GRCh37 (hg19) VCF-style: chr7-35244167-C-G.
Other names: short protein forms K306N.
Identifiers: ClinVar variation 2902701 (VCV002902701.3), dbSNP rs1336271272, ClinGen allele CA367263609.

ClinVar aggregate classification (germline): Uncertain significance (1 of 4 stars; one submission).

Allele frequency attached by ClinVar (database versions not stated): gnomAD exomes below 0.00001; TOPMed 0.00001.
gnomAD v4.1: 1 of 1,613,988 alleles (0.000062%); highest among the groups gnomAD compares: Non-Finnish European, 0.000085%; no homozygotes.

Submission:

Labcorp Genetics (formerly Invitae), Labcorp
Classification: Uncertain significance. Last evaluated: 2025-07-23. Review status: criteria provided, single submitter. Criteria: Invitae Variant Classification Sherloc (09022015). Collection method: clinical testing. Allele origin: germline.
Comment: This sequence change replaces lysine, which is basic and polar, with asparagine, which is neutral and polar, at codon 306 of the TBX20 protein (p.Lys306Asn). This variant is not present in population databases (gnomAD no frequency). This variant has not been reported in the literature in individuals affected with TBX20-related conditions. ClinVar contains an entry for this variant (Variation ID: 2902701). Invitae Evidence Modeling of protein sequence and biophysical properties (such as structural, functional, and spatial information, amino acid conservation, physicochemical variation, residue mobility, and thermodynamic stability) indicates that this missense variant is not expected to disrupt TBX20 protein function with a negative predictive value of 80%. In summary, the available evidence is currently insufficient to determine the role of this variant in disease. Therefore, it has been classified as a Variant of Uncertain Significance.